The following is an entry in ClinVar:

ClinVar aggregate classification (germline): Benign (1 of 4 stars; one submission).

Allele frequency attached by ClinVar (database versions not stated): TOPMed 0.98585; gnomAD 0.98736; 1000 Genomes Project 30x 0.98782; 1000 Genomes Project 0.98902.
gnomAD v4.1: 149,891 of 151,762 alleles (99%); highest among the groups gnomAD compares: Middle Eastern, 100%; 74,055 homozygotes.

Submission:

GeneDx
Classification: Benign. Last evaluated: 2018-06-14. Review status: criteria provided, single submitter. Criteria: GeneDx Variant Classification (06012015). Collection method: clinical testing. Allele origin: germline. Affected: yes.
Comment: This variant is considered likely benign or benign based on one or more of the following criteria: it is a conservative change, it occurs at a poorly conserved position in the protein, it is predicted to be benign by multiple in silico algorithms, and/or has population frequency not consistent with disease.

NM_012062.5(DNM1L):c.103-198A>G

Gene: DNM1L (dynamin 1 like; plus strand). Cytogenetic location: 12p11.21.
Variant type: single nucleotide variant.
Coding change: c.103-198A>G on transcript NM_012062.5 (MANE Select); 198 bases into the intron before coding-DNA position 103, A replaced by G.
Molecular consequence: intron variant.
Genome position (GRCh38, 1-based): chr12:32,701,217, A>G. VCF-style: chr12-32701217-A-G. GRCh37 (hg19) VCF-style: chr12-32854151-A-G.
Other names: c.103-198A>G (NM_001278464.2, NM_001278465.2, NM_001330380.2 and 3 more transcripts); c.-103-198A>G (NM_001278466.2).
Identifiers: ClinVar variation 678476 (VCV000678476.1), dbSNP rs1976905, ClinGen allele CA235235578.